The following is an entry in ClinVar:

ClinVar aggregate classification (germline): Uncertain significance. Review status: criteria provided, multiple submitters, no conflicts (2 of 4 stars). 3 submissions from 3 submitters: Uncertain significance (3). Last evaluated 2023-10-13.

Conditions:
Cone-rod dystrophy 16 (CORD16). Identifiers: MedGen C3281045, MONDO:0013786, OMIM 614500.
Bardet-biedl syndrome 21. Identifiers: MedGen C4319932, MONDO:0044308, OMIM 617406.
Retinitis pigmentosa (RP). Identifiers: Orphanet 791, MedGen C0035334, MeSH D012174, MONDO:0019200, OMIM 268000. Inheritance: Autosomal dominant, autosomal recessive and X linked inheritance.

gnomAD v4.1: 4 of 1,614,070 alleles (0.00025%); highest among the groups gnomAD compares: East Asian, 0.0067%; no homozygotes.

Submissions (3):

Labcorp Genetics (formerly Invitae), Labcorp
Classification: Uncertain significance. Last evaluated: 2023-10-13. Review status: criteria provided, single submitter. Criteria: Invitae Variant Classification Sherloc (09022015). Collection method: clinical testing. Allele origin: germline.
Comment: This sequence change replaces arginine, which is basic and polar, with proline, which is neutral and non-polar, at codon 201 of the C8orf37 protein (p.Arg201Pro). This variant is present in population databases (rs115660509, gnomAD 0.03%). This variant has not been reported in the literature in individuals affected with C8orf37-related conditions. ClinVar contains an entry for this variant (Variation ID: 1681114). An algorithm developed to predict the effect of missense changes on protein structure and function (PolyPhen-2) suggests that this variant is likely to be disruptive. In summary, the available evidence is currently insufficient to determine the role of this variant in disease. Therefore, it has been classified as a Variant of Uncertain Significance.

Blueprint Genetics
Classification: Uncertain significance. Last evaluated: 2022-04-29. Review status: criteria provided, single submitter. Criteria: ACMG Guidelines, 2015. Collection method: clinical testing. Allele origin: germline.

Fulgent Genetics
Classification: Uncertain significance for Retinitis pigmentosa; Cone-rod dystrophy 16; Bardet-biedl syndrome 21. Last evaluated: 2021-12-23. Review status: criteria provided, single submitter. Criteria: ACMG Guidelines, 2015. Collection method: clinical testing. Allele origin: unknown.

NM_177965.4(CFAP418):c.602G>C (p.Arg201Pro)

Gene: CFAP418 (cilia and flagella associated protein 418; minus strand). Cytogenetic location: 8q22.1.
Variant type: single nucleotide variant.
Coding change: c.602G>C on transcript NM_177965.4 (MANE Select); coding-DNA position 602, G replaced by C.
Protein change: p.Arg201Pro; replaces arginine 201 with proline.
Molecular consequence: missense variant.
Genome position (GRCh38, 1-based): chr8:95,247,639, C>G on the plus strand (G>C on the coding strand, the complement: CFAP418 is on the minus strand). VCF-style: chr8-95247639-C-G. GRCh37 (hg19) VCF-style: chr8-96259867-C-G.
Other names: c.506G>C, p.Arg169Pro (NM_001363260.1); short protein forms R169P, R201P.
Identifiers: ClinVar variation 1681114 (VCV001681114.10), dbSNP rs115660509, ClinGen allele CA4815105.
Genomic context (GRCh38, chr8:95,247,639, plus strand): 5'-CTCATGGATGCATCTGTCCGAATGTGCAGTCTGCATTCTTAATGTTTACCACAAACCCAG[C>G]GAAGCTGATGATCTGTCTGAAGGTCAGTCACTTCTTCAATAGTTCTCCAGCTACACTGGC-3'
Protein context (NP_808880.1, residues 191-207): VTDLQTDHQL[Arg201Pro]WVCGKH